The following is an entry in ClinVar:

NM_001177316.2(SLC34A3):c.1252C>G (p.Leu418Val)

Gene: SLC34A3 (solute carrier family 34 member 3; plus strand). Cytogenetic location: 9q34.3.
Variant type: single nucleotide variant.
Coding change: c.1252C>G on transcript NM_001177316.2 (MANE Select); coding-DNA position 1252, C replaced by G.
Protein change: p.Leu418Val; replaces leucine 418 with valine.
Molecular consequence: missense variant.
Genome position (GRCh38, 1-based): chr9:137,234,648, C>G. VCF-style: chr9-137234648-C-G. GRCh37 (hg19) VCF-style: chr9-140129100-C-G.
Other names: c.1252C>G, p.Leu418Val (NM_001177317.2, NM_080877.3); short protein forms L418V.
Identifiers: ClinVar variation 1017340 (VCV001017340.9), dbSNP rs778500281, ClinGen allele CA5364878.

ClinVar aggregate classification (germline): Uncertain significance. Review status: criteria provided, multiple submitters, no conflicts (2 of 4 stars). 4 submissions from 4 submitters: Uncertain significance (4). Last evaluated 2024-01-24.

Conditions:
Autosomal recessive hypophosphatemic bone disease (HHRH). Also called: HYPERCALCIURIC RICKETS; Hypophosphatemic rickets with hypercalciuria. Identifiers: Orphanet 157215, MedGen C1853271, MONDO:0009431, OMIM 241530.

Allele frequency attached by ClinVar (database versions not stated): gnomAD exomes below 0.00001 and 0.00001; gnomAD 0.00001; ExAC 0.00002; TOPMed 0.00003.

Submissions (4):

Labcorp Genetics (formerly Invitae), Labcorp
Classification: Uncertain significance. Last evaluated: 2024-01-24. Review status: criteria provided, single submitter. Criteria: Invitae Variant Classification Sherloc (09022015). Collection method: clinical testing. Allele origin: germline.
Comment: This sequence change replaces leucine, which is neutral and non-polar, with valine, which is neutral and non-polar, at codon 418 of the SLC34A3 protein (p.Leu418Val). This variant is present in population databases (rs778500281, gnomAD 0.009%). This variant has not been reported in the literature in individuals affected with SLC34A3-related conditions. ClinVar contains an entry for this variant (Variation ID: 1017340). Advanced modeling of protein sequence and biophysical properties (such as structural, functional, and spatial information, amino acid conservation, physicochemical variation, residue mobility, and thermodynamic stability) performed at Invitae indicates that this missense variant is not expected to disrupt SLC34A3 protein function with a negative predictive value of 80%. Algorithms developed to predict the effect of sequence changes on RNA splicing suggest that this variant may create or strengthen a splice site. In summary, the available evidence is currently insufficient to determine the role of this variant in disease. Therefore, it has been classified as a Variant of Uncertain Significance.

ARUP Laboratories, Molecular Genetics and Genomics, ARUP Laboratories
Classification: Uncertain significance for Autosomal recessive hypophosphatemic bone disease. Last evaluated: 2023-12-05. Review status: criteria provided, single submitter. Criteria: ARUP Molecular Germline Variant Investigation Process 2024. Collection method: clinical testing. Allele origin: germline.
Comment: The SLC34A3 c.1252C>G; p.Leu418Val variant (rs778500281), to our knowledge, is not reported in the medical literature but is reported in ClinVar (Variation ID: 1017340). This variant is observed in the general population with an overall allele frequency of 0.001% (3/248876 alleles) in the Genome Aggregation Database (v2.1.1). Computational analyses are uncertain whether this variant is neutral or deleterious (REVEL: 0.587), and splicing algorithms (SpliceAI) predict that this variant may alter splicing. Due to limited information, the clinical significance of this variant is uncertain at this time.

Fulgent Genetics
Classification: Uncertain significance for Autosomal recessive hypophosphatemic bone disease. Last evaluated: 2022-01-29. Review status: criteria provided, single submitter. Criteria: ACMG Guidelines, 2015. Collection method: clinical testing. Allele origin: unknown.

Breakthrough Genomics
Classification: Uncertain significance. Review status: criteria provided, single submitter. Criteria: ACMG Guidelines, 2015. Collection method: not provided. Allele origin: germline. Inheritance: Autosomal recessive inheritance. Affected: yes.